The following is an entry in ClinVar:

ClinVar aggregate classification (germline): Uncertain significance (1 of 4 stars; one submission).

Conditions:
Immunodeficiency 51 (IMD51). Also called: CANDIDIASIS, FAMILIAL, 5. Identifiers: Orphanet 1334, MedGen C4310803, MONDO:0013500, OMIM 613953.

Allele frequency attached by ClinVar (database versions not stated): gnomAD 0.00001; gnomAD exomes 0.00001 and 0.00003; TOPMed 0.00001.

Submission:

Labcorp Genetics (formerly Invitae), Labcorp
Classification: Uncertain significance for Immunodeficiency 51. Last evaluated: 2021-11-16. Review status: criteria provided, single submitter. Criteria: Invitae Variant Classification Sherloc (09022015). Collection method: clinical testing. Allele origin: germline.
Comment: This variant has not been reported in the literature in individuals affected with IL17RA-related conditions. ClinVar contains an entry for this variant (Variation ID: 962480). Algorithms developed to predict the effect of missense changes on protein structure and function are either unavailable or do not agree on the potential impact of this missense change (SIFT: "Tolerated"; PolyPhen-2: "Not Available"; Align-GVGD: "Class C0"). In summary, the available evidence is currently insufficient to determine the role of this variant in disease. Therefore, it has been classified as a Variant of Uncertain Significance. This variant is present in population databases (no rsID available, gnomAD 0.008%). This sequence change replaces leucine, which is neutral and non-polar, with arginine, which is basic and polar, at codon 19 of the IL17RA protein (p.Leu19Arg).

NM_014339.7(IL17RA):c.56T>G (p.Leu19Arg)

Gene: IL17RA (interleukin 17 receptor A; plus strand). Cytogenetic location: 22q11.1.
Variant type: single nucleotide variant.
Coding change: c.56T>G on transcript NM_014339.7 (MANE Select); coding-DNA position 56, T replaced by G.
Protein change: p.Leu19Arg; replaces leucine 19 with arginine.
Molecular consequence: missense variant.
Genome position (GRCh38, 1-based): chr22:17,085,147, T>G. VCF-style: chr22-17085147-T-G. GRCh37 (hg19) VCF-style: chr22-17566037-T-G.
Other names: c.56T>G, p.Leu19Arg (NM_001289905.2); short protein forms L19R.
Identifiers: ClinVar variation 962480 (VCV000962480.7), dbSNP rs937902710, ClinGen allele CA321139746.